The following is an entry in ClinVar:

ClinVar aggregate classification (germline): Uncertain significance. Review status: criteria provided, multiple submitters, no conflicts (2 of 4 stars). 2 submissions from 2 submitters: Uncertain significance (2). Last evaluated 2025-10-28.

Conditions:
Early-onset myopathy with fatal cardiomyopathy (CMYO5). Also called: Salih Myopathy; CONGENITAL MYOPATHY 5 WITH CARDIOMYOPATHY. Identifiers: Orphanet 289377, MedGen C2673677, MONDO:0012714, OMIM 611705. Disease mechanism: loss of function.
Hypertrophic cardiomyopathy 9. Also called: Familial hypertrophic cardiomyopathy 9. Identifiers: MedGen C1861065, MONDO:0013412, OMIM 613765.
Myopathy, myofibrillar, 9, with early respiratory failure (MFM9). Also called: Hereditary myopathy with early respiratory failure; EDSTROM MYOPATHY; MYOPATHY, PROXIMAL, WITH EARLY RESPIRATORY MUSCLE INVOLVEMENT; Myopathy, distal, with early respiratory failure, autosomal dominant. Identifiers: Orphanet 178464, Orphanet 34521, MedGen C1863599, MONDO:0011362, OMIM 603689.
Tibial muscular dystrophy (TMD). Also called: Tibial muscular dystrophy, tardive; UDD MYOPATHY; Udd Distal Myopathy – Tibial Muscular Dystrophy. Identifiers: Orphanet 609, MedGen C1838244, MONDO:0010870, OMIM 600334.
Dilated cardiomyopathy 1G (CMD1G). Identifiers: Orphanet 154, MedGen C1858763, MONDO:0011400, OMIM 604145.
Autosomal recessive limb-girdle muscular dystrophy type 2J (LGMDR10). Also called: Limb-girdle muscular dystrophy, type 2J; MUSCULAR DYSTROPHY, LIMB-GIRDLE, AUTOSOMAL RECESSIVE 10. Identifiers: Orphanet 140922, MedGen C1837342, MONDO:0012127, OMIM 608807.

Allele frequency attached by ClinVar (database versions not stated): TOPMed below 0.00001.
gnomAD v4.1: 4 of 1,613,880 alleles (0.00025%); highest among the groups gnomAD compares: Non-Finnish European, 0.00034%; no homozygotes.

Submissions (2):

Labcorp Genetics (formerly Invitae), Labcorp
Classification: Uncertain significance for Dilated cardiomyopathy 1G; Autosomal recessive limb-girdle muscular dystrophy type 2J. Last evaluated: 2025-10-28. Review status: criteria provided, single submitter. Criteria: Invitae Variant Classification Sherloc (09022015). Collection method: clinical testing. Allele origin: germline.
Comment: This sequence change replaces leucine, which is neutral and non-polar, with valine, which is neutral and non-polar, at codon 33684 of the TTN protein (p.Leu33684Val). This variant is not present in population databases (gnomAD no frequency). This variant has not been reported in the literature in individuals affected with TTN-related conditions. ClinVar contains an entry for this variant (Variation ID: 1474316). Experimental studies and prediction algorithms are not available or were not evaluated, and the functional significance of this variant is currently unknown. This variant is located in the M band of TTN (PMID: 25589632). Non-truncating variants in this region may be relevant for neuromuscular disorders, but have not been definitively shown to cause cardiomyopathy (PMID: 23975875). In summary, the available evidence is currently insufficient to determine the role of this variant in disease. Therefore, it has been classified as a Variant of Uncertain Significance.

Fulgent Genetics
Classification: Uncertain significance for Tibial muscular dystrophy; Myopathy, myofibrillar, 9, with early respiratory failure; Dilated cardiomyopathy 1G; Autosomal recessive limb-girdle muscular dystrophy type 2J; Early-onset myopathy with fatal cardiomyopathy; Hypertrophic cardiomyopathy 9. Last evaluated: 2021-10-15. Review status: criteria provided, single submitter. Criteria: ACMG Guidelines, 2015. Collection method: clinical testing. Allele origin: unknown.

Literature cited by the submitters: PubMed 25589632 (cited by Labcorp Genetics (formerly Invitae), Labcorp); PubMed 23975875 (cited by Labcorp Genetics (formerly Invitae), Labcorp).

NM_001267550.2(TTN):c.101050C>G (p.Leu33684Val)

Genes: TTN (titin; minus strand), TTN-AS1 (TTN antisense RNA 1; plus strand). Cytogenetic location: 2q31.2.
Variant type: single nucleotide variant.
Coding change: c.101050C>G on transcript NM_001267550.2 (MANE Select); coding-DNA position 101050, C replaced by G.
Protein change: p.Leu33684Val; replaces leucine 33684 with valine.
Molecular consequence: missense variant.
Genome position (GRCh38, 1-based): chr2:178,535,565, G>C on the plus strand (C>G on the coding strand, the complement: TTN is on the minus strand). VCF-style: chr2-178535565-G-C. GRCh37 (hg19) VCF-style: chr2-179400292-G-C.
Other names: c.96127C>G, p.Leu32043Val (NM_001256850.1); c.73855C>G, p.Leu24619Val (NM_003319.4); c.93346C>G, p.Leu31116Val (NM_133378.4); c.74230C>G, p.Leu24744Val (NM_133432.3); c.74431C>G, p.Leu24811Val (NM_133437.4); short protein forms L24619V, L24744V, L31116V, L33684V, L24811V, L32043V.
Identifiers: ClinVar variation 1474316 (VCV001474316.9), dbSNP rs775824162, ClinGen allele CA349421905.
Genomic context (GRCh38, chr2:178,535,565, plus strand): 5'-CTCGTGAGACATCACTAACTTTGACTCCTCTGGGTGGGTCAGGAACATCAGCCACATCCA[G>C]TTCAACTGTCTTCTGATCAATTCCAAATCTGTTTTTAGCACAGACCACATAGAAACCAGC-3'
Protein context (NP_001254479.2, residues 33674-33694): RFGIDQKTVE[Leu33684Val]DVADVPDPPR